The following is an entry in ClinVar:

ClinVar aggregate classification (germline): Conflicting classifications of pathogenicity. Review status: criteria provided, conflicting classifications (1 of 4 stars). 7 submissions from 7 submitters: Uncertain significance (6); Likely benign (1). Last evaluated 2026-07-20.

Conditions:
ZNF469-related disorder. Also called: ZNF469-related condition.
Cardiovascular phenotype. Identifiers: MedGen CN230736.

Allele frequency attached by ClinVar (database versions not stated): ExAC 0.00006; TOPMed 0.00006; gnomAD 0.00007.
gnomAD v4.1: 119 of 1,550,014 alleles (0.0077%); highest among the groups gnomAD compares: Middle Eastern, 0.017%; no homozygotes.

Submissions (7):

PreventionGenetics, part of Exact Sciences
Classification: Uncertain significance for ZNF469-related condition. Last evaluated: 2026-07-20. Review status: criteria provided, single submitter. Criteria: ACMG Guidelines, 2015. Collection method: clinical testing. Allele origin: germline.
Comment: The ZNF469 c.3835G>A variant is predicted to result in the amino acid substitution p.Gly1279Ser. To our knowledge, this variant has not been reported in the literature. This variant is reported in 0.019% of alleles in individuals of European (Non-Finnish) descent in gnomAD. At this time, the clinical significance of this variant is uncertain due to the absence of conclusive functional and genetic evidence.

Mayo Clinic Laboratories, Mayo Clinic
Classification: Likely benign. Last evaluated: 2025-08-14. Review status: criteria provided, single submitter. Criteria: ACMG Guidelines, 2015. Collection method: clinical testing. Allele origin: germline. Observed: 2 variant alleles.
Comment: BS1, BP4_moderate

Ambry Genetics
Classification: Uncertain significance for Cardiovascular phenotype. Last evaluated: 2023-12-22. Review status: criteria provided, single submitter. Criteria: Ambry Variant Classification Scheme 2023. Collection method: clinical testing. Allele origin: germline.

CeGaT Center for Human Genetics Tuebingen
Classification: Uncertain significance. Last evaluated: 2023-10-01. Review status: criteria provided, single submitter. Criteria: CeGaT Center For Human Genetics Tuebingen Variant Classification Criteria Version 2. Collection method: clinical testing. Allele origin: germline. Affected: yes. Observed: 1 variant allele.
Comment: ZNF469: PM2, BP4

Blueprint Genetics
Classification: Uncertain significance. Last evaluated: 2023-05-30. Review status: criteria provided, single submitter. Criteria: ACMG Guidelines, 2015. Collection method: clinical testing. Allele origin: germline.

GeneDx
Classification: Uncertain significance. Last evaluated: 2022-12-05. Review status: criteria provided, single submitter. Criteria: GeneDx Variant Classification Process June 2021. Collection method: clinical testing. Allele origin: germline. Affected: yes.
Comment: Has not been previously published as pathogenic or benign to our knowledge; In silico analysis supports that this missense variant does not alter protein structure/function

Labcorp Genetics (formerly Invitae), Labcorp
Classification: Uncertain significance. Last evaluated: 2022-07-19. Review status: criteria provided, single submitter. Criteria: Invitae Variant Classification Sherloc (09022015). Collection method: clinical testing. Allele origin: germline.
Comment: This sequence change replaces glycine, which is neutral and non-polar, with serine, which is neutral and polar, at codon 1279 of the ZNF469 protein (p.Gly1279Ser). This variant is present in population databases (rs568553875, gnomAD 0.02%). This variant has not been reported in the literature in individuals affected with ZNF469-related conditions. ClinVar contains an entry for this variant (Variation ID: 1195272). Algorithms developed to predict the effect of missense changes on protein structure and function (SIFT, PolyPhen-2, Align-GVGD) all suggest that this variant is likely to be tolerated. In summary, the available evidence is currently insufficient to determine the role of this variant in disease. Therefore, it has been classified as a Variant of Uncertain Significance.

NM_001367624.2(ZNF469):c.3919G>A (p.Gly1307Ser)

Gene: ZNF469 (zinc finger protein 469; plus strand). Cytogenetic location: 16q24.2.
Variant type: single nucleotide variant.
Coding change: c.3919G>A on transcript NM_001367624.2 (MANE Select); coding-DNA position 3919, G replaced by A.
Protein change: p.Gly1307Ser; replaces glycine 1307 with serine.
Molecular consequence: missense variant.
Genome position (GRCh38, 1-based): chr16:88,431,389, G>A. VCF-style: chr16-88431389-G-A. GRCh37 (hg19) VCF-style: chr16-88497797-G-A.
Other names: NM_001127464.1:c.3835G>A; p.Gly1307Ser; NM_001127464.2:c.3835G>A; short protein forms G1307S.
Identifiers: ClinVar variation 1195272 (VCV001195272.34), dbSNP rs568553875, ClinGen allele CA8224901.